The following is an entry in ClinVar:

NM_004415.4(DSP):c.1420-9G>C

Gene: DSP (desmoplakin; plus strand). Cytogenetic location: 6p24.3.
Variant type: single nucleotide variant.
Coding change: c.1420-9G>C on transcript NM_004415.4 (MANE Select); 9 bases into the intron before coding-DNA position 1420, G replaced by C.
Molecular consequence: intron variant.
Genome position (GRCh38, 1-based): chr6:7,569,177, G>C. VCF-style: chr6-7569177-G-C. GRCh37 (hg19) VCF-style: chr6-7569410-G-C.
Other names: c.1420-9G>C (NM_001319034.2, NM_001008844.3).
Identifiers: ClinVar variation 924566 (VCV000924566.8), dbSNP rs1758956235, ClinGen allele CA1139659318.

ClinVar aggregate classification (germline): Conflicting classifications of pathogenicity. Review status: criteria provided, conflicting classifications (1 of 4 stars). 2 submissions from 2 submitters: Uncertain significance (1); Likely benign (1). Last evaluated 2022-06-07.

Conditions:
Arrhythmogenic right ventricular dysplasia 8 (ARVD8). Also called: Arrhythmogenic Right Ventricular Dysplasia/Cardiomyopathy 8; ARRHYTHMOGENIC RIGHT VENTRICULAR DYSPLASIA, FAMILIAL, 8; ARRHYTHMOGENIC RIGHT VENTRICULAR CARDIOMYOPATHY 8. Identifiers: MedGen C1843896, MONDO:0011831, OMIM 607450.
Arrhythmogenic cardiomyopathy with wooly hair and keratoderma. Also called: PALMOPLANTAR KERATODERMA WITH LEFT VENTRICULAR CARDIOMYOPATHY AND WOOLLY HAIR; Carvajal syndrome; Dilated cardiomyopathy with woolly hair and keratoderma; Arrhythmogenic cardiomyopathy with woolly hair and keratoderma. Identifiers: Orphanet 65282, MedGen C1854063, MONDO:0011581, OMIM 605676.
Cardiomyopathy (CMYO). Also called: Cardiomyopathies. Identifiers: Orphanet 167848, MedGen C0878544, MONDO:0004994, HP:0001638. Inheritance: Various modes of inheritance.

gnomAD v4.1: 2 of 1,614,186 alleles (0.00012%); highest among the groups gnomAD compares: Non-Finnish European, 0.00017%; no homozygotes.

Submissions (2):

Labcorp Genetics (formerly Invitae), Labcorp
Classification: Likely benign for Arrhythmogenic cardiomyopathy with wooly hair and keratoderma; Arrhythmogenic right ventricular dysplasia 8. Last evaluated: 2022-06-07. Review status: criteria provided, single submitter. Criteria: Invitae Variant Classification Sherloc (09022015). Collection method: clinical testing. Allele origin: germline.

Color Diagnostics, LLC DBA Color Health
Classification: Uncertain significance for Cardiomyopathy. Last evaluated: 2020-02-09. Review status: criteria provided, single submitter. Criteria: ACMG Guidelines, 2015. Collection method: clinical testing. Allele origin: germline.
Comment: This variant causes a G>C nucleotide substitution at the -9 position of intron 11 of the DSP gene. Splice site prediction tools and conservation analysis are inconclusive regarding the impact of this variant on RNA splicing. To our knowledge, functional studies have not been performed for this variant. This variant has not been reported in individuals affected with cardiovascular disorders in the literature. This variant has not been identified in the general population by the Genome Aggregation Database (gnomAD). The available evidence is insufficient to determine the role of this variant in disease conclusively. Therefore, this variant is classified as a Variant of Uncertain Significance.